The following is an entry in ClinVar:

ClinVar aggregate classification (germline): Likely benign (1 of 4 stars; one submission).

gnomAD v4.1: 6 of 1,613,838 alleles (0.00037%); highest among the groups gnomAD compares: Non-Finnish European, 0.00051%; no homozygotes.

Submission:

Mayo Clinic Laboratories, Mayo Clinic
Classification: Likely benign. Last evaluated: 2025-07-23. Review status: criteria provided, single submitter. Criteria: ACMG Guidelines, 2015. Collection method: clinical testing. Allele origin: germline. Observed: 1 variant allele.
Comment: BP4, BP7, PM2_supporting

NM_002945.5(RPA1):c.93T>A (p.Arg31=)

Gene: RPA1 (replication protein A1; plus strand). Cytogenetic location: 17p13.3.
Variant type: single nucleotide variant.
Coding change: c.93T>A on transcript NM_002945.5 (MANE Select); coding-DNA position 93, T replaced by A.
Protein change: p.Arg31=; no amino-acid change (arginine 31 retained).
Molecular consequence: synonymous variant.
Genome position (GRCh38, 1-based): chr17:1,843,928, T>A. VCF-style: chr17-1843928-T-A. GRCh37 (hg19) VCF-style: chr17-1747222-T-A.
Other names: p.Arg31=; c.54T>A, p.Arg18= (NM_001355120.2); c.93T>A, p.Arg31= (NM_001355121.2).
Identifiers: ClinVar variation 4684177 (VCV004684177.1).